The following is an entry in ClinVar:

NM_000059.4(BRCA2):c.4325C>A (p.Ser1442Ter)

Gene: BRCA2 (BRCA2 DNA repair associated; plus strand). Cytogenetic location: 13q13.1.
Variant type: single nucleotide variant.
Coding change: c.4325C>A on transcript NM_000059.4 (MANE Select); coding-DNA position 4325, C replaced by A.
Protein change: p.Ser1442Ter; replaces serine 1442 with a stop codon.
Molecular consequence: nonsense.
Genome position (GRCh38, 1-based): chr13:32,338,680, C>A. VCF-style: chr13-32338680-C-A. GRCh37 (hg19) VCF-style: chr13-32912817-C-A.
Other names: short protein forms S1442*.
Identifiers: ClinVar variation 51633 (VCV000051633.34), dbSNP rs80358670, ClinGen allele CA019986.

ClinVar aggregate classification (germline): Pathogenic. Review status: reviewed by expert panel (3 of 4 stars). 14 submissions from 14 submitters: Pathogenic (1). 13 of the submissions do not count toward it. Last evaluated 2016-09-08.

Conditions:
BRCA2-related cancer predisposition. Identifiers: MedGen CN377758, MONDO:0700269.
Hereditary cancer-predisposing syndrome. Also called: Hereditary Cancer Syndrome; Hereditary neoplastic syndrome; Neoplastic Syndromes, Hereditary; Tumor predisposition. Identifiers: Orphanet 140162, MedGen C0027672, MeSH D009386, MONDO:0015356.
Hereditary breast ovarian cancer syndrome. Also called: BRCA1- and BRCA2-Associated Hereditary Breast and Ovarian Cancer; Hereditary breast and ovarian cancer syndrome; Hereditary breast and/or ovarian cancer syndrome; Hereditary breast and ovarian cancer; Hereditary breast and ovarian cancer syndrome (HBOC); Breast and ovarian cancer. Identifiers: Orphanet 145, MedGen C0677776, MeSH D061325, MONDO:0003582. Disease mechanism: loss of function.
Breast-ovarian cancer, familial, susceptibility to, 2 (BROVCA2). Also called: BRCA2 Hereditary Breast and Ovarian Cancer. Identifiers: Orphanet 145, MedGen C2675520, MONDO:0012933, OMIM 612555. Disease mechanism: loss of function.
Familial cancer of breast. Also called: hereditary breast carcinoma; BREAST CANCER, FAMILIAL; Hereditary breast cancer. Identifiers: Orphanet 227535, MedGen C0346153, MONDO:0016419, OMIM 114480. Disease mechanism: loss of function.

Allele frequency attached by ClinVar (database versions not stated): gnomAD exomes below 0.00001.

Submissions (14):

Evidence-based Network for the Interpretation of Germline Mutant Alleles (ENIGMA)
Classification: Pathogenic for Breast-ovarian cancer, familial, susceptibility to, 2. Last evaluated: 2016-09-08. Review status: reviewed by expert panel. Criteria: ENIGMA BRCA1/2 Classification Criteria (2015). Collection method: curation. Allele origin: germline.
Comment: Variant allele predicted to encode a truncated non-functional protein.

Labcorp Genetics (formerly Invitae), Labcorp
Classification: Pathogenic for Hereditary breast ovarian cancer syndrome. Last evaluated: 2025-09-10. Review status: criteria provided, single submitter. Criteria: Invitae Variant Classification Sherloc (09022015). Collection method: clinical testing. Allele origin: germline. Not counted in ClinVar's aggregate classification.
Comment: This sequence change creates a premature translational stop signal (p.Ser1442*) in the BRCA2 gene. It is expected to result in an absent or disrupted protein product. Loss-of-function variants in BRCA2 are known to be pathogenic (PMID: 20104584). This variant is present in population databases (rs80358670, gnomAD 0.003%). This premature translational stop signal has been observed in individual(s) with BRCA2-related conditions (PMID: 10923033). ClinVar contains an entry for this variant (Variation ID: 51633). For these reasons, this variant has been classified as Pathogenic.

Genetic Services Laboratory, University of Chicago
Classification: Pathogenic. Last evaluated: 2025-08-14. Review status: criteria provided, single submitter. Criteria: ACMG Guidelines, 2015. Collection method: clinical testing. Allele origin: germline. Not counted in ClinVar's aggregate classification.
Comment: The c.4325C>A variant: Results in the creation of a premature stop codon at amino acid position 1442, p.Ser1442*. Is predicted to result in an abnormal transcript, which may be degraded, or may lead to the production of a truncated BRCA2 protein with potentially abnormal function. Has been previously described in several individuals with BRCA2-related disorders (PMID: 29922827, 34308104, 30787465, 3243861). Is reported in the gnomAD v4 database in one heterozygous individual, which corresponds to a frequency of 0.0004% in the Admixed American subpopulation (dbSNP rs80358670). ClinVar contains an entry for this variant (Variation ID: 51633). Collectively this evidence indicates that this variant is pathogenic; however functional studies have not been performed to prove this conclusively.

Quest Diagnostics Nichols Institute San Juan Capistrano
Classification: Pathogenic. Last evaluated: 2025-04-12. Review status: criteria provided, single submitter. Criteria: Quest Diagnostics criteria. Collection method: clinical testing. Allele origin: unknown. Not counted in ClinVar's aggregate classification.
Comment: The BRCA2 c.4325C>A (p.Ser1442*) variant causes the premature termination of BRCA2 protein synthesis. This variant has been reported in the published literature in individuals with breast or ovarian cancer (PMIDs: 31837001 (2020), 31869745 (2020), 32438681 (2020)). The frequency of this variant in the general population (Genome Aggregation Database) is consistent with pathogenicity. Based on the available information, this variant is classified as pathogenic.

Ambry Genetics
Classification: Pathogenic for Hereditary cancer-predisposing syndrome. Last evaluated: 2024-08-01. Review status: criteria provided, single submitter. Criteria: Ambry Variant Classification Scheme 2023. Collection method: clinical testing. Allele origin: germline. Not counted in ClinVar's aggregate classification.
Comment: The p.S1442* pathogenic mutation (also known as c.4325C>A), located in coding exon 10 of the BRCA2 gene, results from a C to A substitution at nucleotide position 4325. This changes the amino acid from a serine to a stop codon within coding exon 10. This alteration is expected to result in loss of function by premature protein truncation or nonsense-mediated mRNA decay. As such, this alteration is interpreted as a disease-causing mutation.

GeneDx
Classification: Pathogenic. Last evaluated: 2024-04-19. Review status: criteria provided, single submitter. Criteria: GeneDx Variant Classification Process June 2021. Collection method: clinical testing. Allele origin: germline. Affected: yes. Not counted in ClinVar's aggregate classification.
Comment: Nonsense variant predicted to result in protein truncation or nonsense mediated decay in a gene for which loss of function is a known mechanism of disease; Not observed at significant frequency in large population cohorts (gnomAD); Truncating variants in this gene are considered pathogenic by a well-established clinical consortium and/or database; Also known as 4553C>A; This variant is associated with the following publications: (PMID: 29922827, 28186126, 28152038, 29446198, 30720243, 30787465, 34308104, 31853058, 32377563, 32438681, 31869745)

All of Us Research Program, National Institutes of Health
Classification: Pathogenic for BRCA2-related cancer predisposition. Last evaluated: 2024-03-24. Review status: criteria provided, single submitter. Criteria: ACMG Guidelines, 2015. Collection method: clinical testing. Allele origin: germline. Inheritance: Autosomal dominant inheritance. Observed: 1 variant allele, 1 heterozygote. Not counted in ClinVar's aggregate classification.
Comment: This variant changes 1 nucleotide in exon 11 of the BRCA2 gene, creating a premature translation stop signal. This variant is expected to result in an absent or non-functional protein product. This variant has been reported in individuals with a personal or family history of breast and/or ovarian cancer (PMID: 29446198, 32438681). This variant has been identified in 1/241106 chromosomes in the general population by the Genome Aggregation Database (gnomAD). Loss of BRCA2 function is a known mechanism of disease. Based on the available evidence, this variant is classified as Pathogenic.

This study involves interpretation of variants in research participants for the purpose of population health screening. Participant phenotype was not available at the time of variant classification. Additional details can be found in publication PMID: 35346344, PMCID: PMC8962531

Baylor Genetics
Classification: Pathogenic for Familial cancer of breast. Last evaluated: 2023-12-28. Review status: criteria provided, single submitter. Criteria: ACMG Guidelines, 2015. Collection method: clinical testing. Allele origin: unknown. Not counted in ClinVar's aggregate classification.

Color Diagnostics, LLC DBA Color Health
Classification: Pathogenic for Hereditary cancer-predisposing syndrome. Last evaluated: 2023-12-06. Review status: criteria provided, single submitter. Criteria: ACMG Guidelines, 2015. Collection method: clinical testing. Allele origin: germline. Not counted in ClinVar's aggregate classification.
Comment: This variant changes 1 nucleotide in exon 11 of the BRCA2 gene, creating a premature translation stop signal. This variant is expected to result in an absent or non-functional protein product. This variant has been reported in individuals with a personal or family history of breast and/or ovarian cancer (PMID: 29446198, 32438681). This variant has been identified in 1/241106 chromosomes in the general population by the Genome Aggregation Database (gnomAD). Loss of BRCA2 function is a known mechanism of disease. Based on the available evidence, this variant is classified as Pathogenic.

Women's Health and Genetics/Laboratory Corporation of America, LabCorp
Classification: Pathogenic for Hereditary breast and ovarian cancer syndrome. Last evaluated: 2019-03-12. Review status: criteria provided, single submitter. Criteria: LabCorp Variant Classification Summary - May 2015. Collection method: clinical testing. Allele origin: germline. Not counted in ClinVar's aggregate classification.
Comment: Variant summary: BRCA2 c.4325C>A (p.Ser1442X) results in a premature termination codon, predicted to cause a truncation of the encoded protein or absence of the protein due to nonsense mediated decay, which are commonly known mechanisms for disease. Truncations downstream of this position have been classified as pathogenic by our laboratory (c.4415_4418delAGAA, p.Lys1472fsX6; c.4551_4554delAGAA, p.Lys1517fsX25; c.5682C>G, p.Tyr1894X). The variant allele was found at a frequency of 4.2e-06 in 237016 control chromosomes (gnomAD). This variant has been reported in the literature in individuals presumably affected with Hereditary Breast and Ovarian Cancer (Rebbeck_2018). These data indicate that the variant is likely to be associated with disease. To our knowledge, no experimental evidence demonstrating an impact on protein function has been reported. Six CliNVar submissions from clinical diagnostic laboratories (evaluation after 2014) cites the variant as pathogenic. Based on the evidence outlined above, the variant was classified as pathogenic.

ARUP Laboratories, Molecular Genetics and Genomics, ARUP Laboratories
Classification: Pathogenic. Last evaluated: 2018-07-22. Review status: criteria provided, single submitter. Criteria: ARUP Molecular Germline Variant Investigation Process. Collection method: clinical testing. Allele origin: germline. Not counted in ClinVar's aggregate classification.
Comment: The BRCA2 c.4325C>A; p.Ser1442Ter variant (rs80358670), is reported in the literature in a validation study of pathogenic hereditary cancer variants (LaDuca 2017). This variant is reported as pathogenic by multiple laboratories in ClinVar (Variation ID: 51633), and is only observed on one allele in the Genome Aggregation Database. This variant induces an early termination codon and is predicted to result in a truncated protein or mRNA subject to nonsense-mediated decay. Based on available information, this variant is considered to be pathogenic. References: LaDuca H et al. Exome sequencing covers >98% of mutations identified on targeted next generation sequencing panels. PLoS One. 2017 Feb 2;12(2):e0170843.

Consortium of Investigators of Modifiers of BRCA1/2 (CIMBA), c/o University of Cambridge
Classification: Pathogenic for Breast-ovarian cancer, familial, susceptibility to, 2. Last evaluated: 2015-10-02. Review status: criteria provided, single submitter. Criteria: CIMBA Mutation Classification guidelines May 2016. Collection method: clinical testing. Allele origin: germline. Not counted in ClinVar's aggregate classification.

Research Molecular Genetics Laboratory, Women's College Hospital, University of Toronto
Classification: Pathogenic for Hereditary breast ovarian cancer syndrome. Last evaluated: 2014-01-31. Review status: no assertion criteria provided. Collection method: research. Allele origin: germline. Affected: yes. Study: The Canadian Open Genetics Repository (COGR). Not counted in ClinVar's aggregate classification.

Breast Cancer Information Core (BIC) (BRCA2)
Classification: Pathogenic for Breast-ovarian cancer, familial 2. Last evaluated: 2004-02-20. Review status: no assertion criteria provided. Collection method: clinical testing. Allele origin: germline. Affected: yes. Observed: 2 variant alleles. Not counted in ClinVar's aggregate classification.

Literature cited by the submitters: PubMed 20104584 (cited by Labcorp Genetics (formerly Invitae), Labcorp); PubMed 10923033 (cited by Labcorp Genetics (formerly Invitae), Labcorp); PubMed 28152038 (cited by Quest Diagnostics Nichols Institute San Juan Capistrano); PubMed 29446198 (cited by 4 submitters); PubMed 30720243 (cited by Quest Diagnostics Nichols Institute San Juan Capistrano); PubMed 32438681 (cited by 3 submitters); PubMed 31869745 (cited by Quest Diagnostics Nichols Institute San Juan Capistrano); PubMed 37461096 (cited by Quest Diagnostics Nichols Institute San Juan Capistrano); PubMed 31837001 (cited by Quest Diagnostics Nichols Institute San Juan Capistrano); PubMed 26295337 (cited by Quest Diagnostics Nichols Institute San Juan Capistrano).